The following is an entry in ClinVar:

NM_024649.5(BBS1):c.5C>A (p.Ala2Asp)

Gene: BBS1 (Bardet-Biedl syndrome 1; plus strand). Cytogenetic location: 11q13.2.
Variant type: single nucleotide variant.
Coding change: c.5C>A on transcript NM_024649.5 (MANE Select); coding-DNA position 5, C replaced by A.
Protein change: p.Ala2Asp; replaces alanine 2 with aspartic acid.
Molecular consequence: missense variant.
Genome position (GRCh38, 1-based): chr11:66,510,664, C>A. VCF-style: chr11-66510664-C-A. GRCh37 (hg19) VCF-style: chr11-66278135-C-A.
Other names: short protein forms A2D.
Identifiers: ClinVar variation 4991858 (VCV004991858.1).

ClinVar aggregate classification (germline): Uncertain significance (1 of 4 stars; one submission).

Conditions:
BBS1-related disorder. Also called: BBS1-related condition.

gnomAD v4.1: 1 of 1,614,156 alleles (0.000062%); highest among the groups gnomAD compares: Non-Finnish European, 0.000085%; no homozygotes.

Submission:

PreventionGenetics, part of Exact Sciences
Classification: Uncertain significance for BBS1-related condition. Last evaluated: 2026-04-14. Review status: criteria provided, single submitter. Criteria: ACMG Guidelines, 2015. Collection method: clinical testing. Allele origin: germline.
Comment: The BBS1 c.5C>A variant is predicted to result in the amino acid substitution p.Ala2Asp. To our knowledge, this variant has not been reported in the literature or in a large population database (gnomAD), indicating this variant is rare. At this time, the clinical significance of this variant is uncertain due to the absence of conclusive functional and genetic evidence.